The following is an entry in ClinVar:

ClinVar aggregate classification (germline): Uncertain significance (1 of 4 stars; one submission).

Conditions:
Gastrointestinal stromal tumor. Also called: Gastrointestinal stroma tumor; Gastrointestinal stromal tumor, somatic. Identifiers: Orphanet 44890, MedGen C0238198, MeSH D046152, MONDO:0011719, OMIM 606764, HP:0100723.

Allele frequency attached by ClinVar (database versions not stated): gnomAD exomes below 0.00001; ExAC 0.00001.
gnomAD v4.1: 2 of 1,614,094 alleles (0.00012%); highest among the groups gnomAD compares: South Asian, 0.0022%; no homozygotes.

Submission:

Labcorp Genetics (formerly Invitae), Labcorp
Classification: Uncertain significance for Gastrointestinal stromal tumor. Last evaluated: 2022-02-22. Review status: criteria provided, single submitter. Criteria: Invitae Variant Classification Sherloc (09022015). Collection method: clinical testing. Allele origin: germline.
Comment: Algorithms developed to predict the effect of missense changes on protein structure and function (SIFT, PolyPhen-2, Align-GVGD) all suggest that this variant is likely to be disruptive. In summary, the available evidence is currently insufficient to determine the role of this variant in disease. Therefore, it has been classified as a Variant of Uncertain Significance. This variant has not been reported in the literature in individuals affected with KIT-related conditions. This variant is present in population databases (rs761339150, gnomAD 0.006%). This sequence change replaces serine, which is neutral and polar, with asparagine, which is neutral and polar, at codon 962 of the KIT protein (p.Ser962Asn).

NM_000222.3(KIT):c.2885G>A (p.Ser962Asn)

Gene: KIT (KIT proto-oncogene, receptor tyrosine kinase; plus strand). Cytogenetic location: 4q12.
Variant type: single nucleotide variant.
Coding change: c.2885G>A on transcript NM_000222.3 (MANE Select); coding-DNA position 2885, G replaced by A.
Protein change: p.Ser962Asn; replaces serine 962 with asparagine.
Molecular consequence: missense variant.
Genome position (GRCh38, 1-based): chr4:54,738,511, G>A. VCF-style: chr4-54738511-G-A. GRCh37 (hg19) VCF-style: chr4-55604677-G-A.
Other names: c.2873G>A, p.Ser958Asn (NM_001093772.2, NM_001385292.1); c.2888G>A, p.Ser963Asn (NM_001385284.1); c.2882G>A, p.Ser961Asn (NM_001385285.1); c.2870G>A, p.Ser957Asn (NM_001385286.1); c.2876G>A, p.Ser959Asn (NM_001385288.1); c.2885G>A, p.Ser962Asn (NM_001385290.1); short protein forms S958N, S962N, S963N, S957N, S959N, S961N.
Identifiers: ClinVar variation 2145525 (VCV002145525.4), dbSNP rs761339150, ClinGen allele CA2923889.